The following is an entry in ClinVar:

ClinVar aggregate classification (germline): Pathogenic. Review status: reviewed by expert panel (3 of 4 stars). 4 submissions from 4 submitters: Pathogenic (1). 3 of the submissions do not count toward it. Last evaluated 2017-12-15.

Conditions:
Breast and/or ovarian cancer. Identifiers: MedGen CN221562.
Breast-ovarian cancer, familial, susceptibility to, 2 (BROVCA2). Also called: BRCA2 Hereditary Breast and Ovarian Cancer. Identifiers: Orphanet 145, MedGen C2675520, MONDO:0012933, OMIM 612555. Disease mechanism: loss of function.
Hereditary breast ovarian cancer syndrome. Also called: BRCA1- and BRCA2-Associated Hereditary Breast and Ovarian Cancer; Hereditary breast and ovarian cancer; Breast and ovarian cancer; Hereditary breast and/or ovarian cancer syndrome; Hereditary breast and ovarian cancer syndrome; Hereditary breast and ovarian cancer syndrome (HBOC). Identifiers: Orphanet 145, MedGen C0677776, MeSH D061325, MONDO:0003582. Disease mechanism: loss of function.
Hereditary cancer-predisposing syndrome. Also called: Hereditary neoplastic syndrome; Neoplastic Syndromes, Hereditary; Tumor predisposition; Hereditary Cancer Syndrome. Identifiers: Orphanet 140162, MedGen C0027672, MeSH D009386, MONDO:0015356.

Submissions (4):

Evidence-based Network for the Interpretation of Germline Mutant Alleles (ENIGMA)
Classification: Pathogenic for Breast-ovarian cancer, familial, susceptibility to, 2. Last evaluated: 2017-12-15. Review status: reviewed by expert panel. Criteria: ENIGMA BRCA1/2 Classification Criteria (2017-06-29). Collection method: curation. Allele origin: germline. Study: ENIGMA.
Comment: Variant allele predicted to encode a truncated non-functional protein.

Labcorp Genetics (formerly Invitae), Labcorp
Classification: Pathogenic for Hereditary breast ovarian cancer syndrome. Last evaluated: 2025-11-17. Review status: criteria provided, single submitter. Criteria: Invitae Variant Classification Sherloc (09022015). Collection method: clinical testing. Allele origin: germline. Not counted in ClinVar's aggregate classification.
Comment: This sequence change creates a premature translational stop signal (p.Ile2615Phefs*2) in the BRCA2 gene. It is expected to result in an absent or disrupted protein product. Loss-of-function variants in BRCA2 are known to be pathogenic (PMID: 20104584). This variant is not present in population databases (gnomAD no frequency). This variant has not been reported in the literature in individuals affected with BRCA2-related conditions. ClinVar contains an entry for this variant (Variation ID: 267226). For these reasons, this variant has been classified as Pathogenic.

Ambry Genetics
Classification: Pathogenic for Hereditary cancer-predisposing syndrome. Last evaluated: 2023-11-07. Review status: criteria provided, single submitter. Criteria: Ambry Variant Classification Scheme 2023. Collection method: clinical testing. Allele origin: germline. Not counted in ClinVar's aggregate classification.
Comment: The c.7843_7844delAT pathogenic mutation, located in coding exon 16 of the BRCA2 gene, results from a deletion of two nucleotides at nucleotide positions 7843 to 7844, causing a translational frameshift with a predicted alternate stop codon (p.I2615Ffs*2). This alteration is expected to result in loss of function by premature protein truncation or nonsense-mediated mRNA decay. As such, this alteration is interpreted as a disease-causing mutation.

CHEO Genetics Diagnostic Laboratory, Children's Hospital of Eastern Ontario
Classification: Likely pathogenic for Breast and/or ovarian cancer. Last evaluated: 2016-02-08. Review status: criteria provided, single submitter. Criteria: ACMG Guidelines, 2015. Collection method: clinical testing. Allele origin: germline. Study: Canadian Open Genetics Repository. Not counted in ClinVar's aggregate classification.

Literature cited by the submitters: PubMed 20104584 (cited by Labcorp Genetics (formerly Invitae), Labcorp).

NM_000059.4(BRCA2):c.7843_7844del (p.Ile2615fs)

Gene: BRCA2 (BRCA2 DNA repair associated; plus strand). Cytogenetic location: 13q13.1.
Variant type: Deletion.
Coding change: c.7843_7844del on transcript NM_000059.4 (MANE Select); coding-DNA positions 7843 to 7844, 2 bases deleted (AT; older notation c.7843_7844delAT).
Protein change: p.Ile2615fs; shifts the reading frame from isoleucine 2615.
Molecular consequence: frameshift variant.
Genome position (GRCh38, 1-based): chr13:32,362,560-32,362,561, AT deleted; deleting any 2 consecutive bases within chr13:32,362,559-32,362,561 gives the same sequence; the c. name uses the placement nearest the transcript's 3' end. VCF-style (leftmost placement, unchanged base first): chr13-32362558-TTA-T. GRCh37 (hg19) VCF-style: chr13-32936695-TTA-T.
Other names: c.7843_7844delAT (NM_000059.3).
Identifiers: ClinVar variation 267226 (VCV000267226.10), dbSNP rs886040867, ClinGen allele CA10590057.